The following is an entry in ClinVar:

NM_201384.3(PLEC):c.12748G>A (p.Val4250Met)

Gene: PLEC (plectin; minus strand). Cytogenetic location: 8q24.3.
Variant type: single nucleotide variant.
Coding change: c.12748G>A on transcript NM_201384.3 (MANE Select); coding-DNA position 12748, G replaced by A.
Protein change: p.Val4250Met; replaces valine 4250 with methionine.
Molecular consequence: missense variant.
Genome position (GRCh38, 1-based): chr8:143,917,073, C>T on the plus strand (G>A on the coding strand, the complement: PLEC is on the minus strand). VCF-style: chr8-143917073-C-T. GRCh37 (hg19) VCF-style: chr8-144991241-C-T.
Other names: c.12829G>A, p.Val4277Met (NM_000445.5); c.12706G>A, p.Val4236Met (NM_201378.4); c.12682G>A, p.Val4228Met (NM_201379.3); c.13159G>A, p.Val4387Met (NM_201380.4); c.12652G>A, p.Val4218Met (NM_201381.3); c.12748G>A, p.Val4250Met (NM_201382.4); c.12760G>A, p.Val4254Met (NM_201383.3); short protein forms V4250M, V4277M, V4218M, V4236M, V4387M, V4228M, V4254M.
Identifiers: ClinVar variation 1416896 (VCV001416896.8), dbSNP rs1425881685, ClinGen allele CA372479149.

ClinVar aggregate classification (germline): Uncertain significance (1 of 4 stars; one submission).

Conditions:
Epidermolysis bullosa simplex 5B, with muscular dystrophy (EBS5B). Also called: EPIDERMOLYSIS BULLOSA SIMPLEX AND LIMB-GIRDLE MUSCULAR DYSTROPHY; Epidermolysis bullosa simplex with muscular dystrophy. Identifiers: Orphanet 257, MedGen C2931072, MONDO:0009181, OMIM 226670.
Epidermolysis bullosa simplex, Ogna type (EBS5A). Also called: EPIDERMOLYSIS BULLOSA SIMPLEX 5A, OGNA TYPE; Pidermolysis bullosa simplex 5A, Ogna type. Identifiers: Orphanet 79401, MedGen C0432317, MONDO:0007555, OMIM 131950.
Epidermolysis bullosa simplex with nail dystrophy (EBS5D). Identifiers: MedGen C4225309, MONDO:0014661, OMIM 616487.
Autosomal recessive limb-girdle muscular dystrophy type 2Q (LGMDR17). Also called: MUSCULAR DYSTROPHY, LIMB-GIRDLE, AUTOSOMAL RECESSIVE 17. Identifiers: Orphanet 254361, MedGen C3150989, MONDO:0013390, OMIM 613723.
Epidermolysis bullosa simplex 5C, with pyloric atresia (EBS5C). Also called: Epidermolysis bullosa simplex with pyloric atresia; PLEC-Related Epidermolysis Bullosa with Pyloric Atresia; PLEC1-Related Epidermolysis Bullosa with Pyloric Atresia. Identifiers: Orphanet 158684, MedGen C2677349, MONDO:0012807, OMIM 612138.

Allele frequency attached by ClinVar (database versions not stated): gnomAD exomes below 0.00001; gnomAD 0.00001; TOPMed 0.00001.

Submission:

Labcorp Genetics (formerly Invitae), Labcorp
Classification: Uncertain significance for Autosomal recessive limb-girdle muscular dystrophy type 2Q; Epidermolysis bullosa simplex, Ogna type; Epidermolysis bullosa simplex with nail dystrophy; Epidermolysis bullosa simplex 5C, with pyloric atresia; Epidermolysis bullosa simplex 5B, with muscular dystrophy. Last evaluated: 2024-02-17. Review status: criteria provided, single submitter. Criteria: Invitae Variant Classification Sherloc (09022015). Collection method: clinical testing. Allele origin: germline.
Comment: This sequence change replaces valine, which is neutral and non-polar, with methionine, which is neutral and non-polar, at codon 4277 of the PLEC protein (p.Val4277Met). This variant is not present in population databases (gnomAD no frequency). This variant has not been reported in the literature in individuals affected with PLEC-related conditions. ClinVar contains an entry for this variant (Variation ID: 1416896). An algorithm developed to predict the effect of missense changes on protein structure and function (PolyPhen-2) suggests that this variant is likely to be disruptive. In summary, the available evidence is currently insufficient to determine the role of this variant in disease. Therefore, it has been classified as a Variant of Uncertain Significance.